The following is an entry in ClinVar:

ClinVar aggregate classification (germline): Conflicting classifications of pathogenicity. Review status: criteria provided, conflicting classifications (1 of 4 stars). 2 submissions from 2 submitters: Uncertain significance (1); Likely benign (1). Last evaluated 2024-07-11.

Conditions:
Dilated cardiomyopathy 1O (CMD1O). Also called: CARDIOMYOPATHY, DILATED, WITH VENTRICULAR TACHYCARDIA. Identifiers: Orphanet 154, MedGen C1837839, MONDO:0012062, OMIM 608569.

Allele frequency attached by ClinVar (database versions not stated): ExAC 0.00001; gnomAD 0.00001; gnomAD exomes 0.00001.
gnomAD v4.1: 8 of 1,612,852 alleles (0.0005%); highest among the groups gnomAD compares: South Asian, 0.0011%; no homozygotes.

Submissions (2):

Blueprint Genetics
Classification: Likely benign. Last evaluated: 2024-07-11. Review status: criteria provided, single submitter. Criteria: ACMG Guidelines, 2015. Collection method: clinical testing. Allele origin: germline.

Labcorp Genetics (formerly Invitae), Labcorp
Classification: Uncertain significance for Dilated cardiomyopathy 1O. Last evaluated: 2024-05-21. Review status: criteria provided, single submitter. Criteria: Invitae Variant Classification Sherloc (09022015). Collection method: clinical testing. Allele origin: germline.
Comment: This sequence change replaces serine, which is neutral and polar, with threonine, which is neutral and polar, at codon 537 of the ABCC9 protein (p.Ser537Thr). This variant is present in population databases (rs780072385, gnomAD 0.009%). This missense change has been observed in individual(s) with ABCC9-related conditions (PMID: 30847666). ClinVar contains an entry for this variant (Variation ID: 953713). Advanced modeling of protein sequence and biophysical properties (such as structural, functional, and spatial information, amino acid conservation, physicochemical variation, residue mobility, and thermodynamic stability) performed at Invitae indicates that this missense variant is expected to disrupt ABCC9 protein function with a positive predictive value of 95%. In summary, the available evidence is currently insufficient to determine the role of this variant in disease. Therefore, it has been classified as a Variant of Uncertain Significance.

Literature cited by the submitters: PubMed 30847666 (cited by Labcorp Genetics (formerly Invitae), Labcorp).

NM_020297.4(ABCC9):c.1609T>A (p.Ser537Thr)

Gene: ABCC9 (ATP binding cassette subfamily C member 9; minus strand). Cytogenetic location: 12p12.1.
Variant type: single nucleotide variant.
Coding change: c.1609T>A on transcript NM_020297.4 (MANE Select); coding-DNA position 1609, T replaced by A.
Protein change: p.Ser537Thr; replaces serine 537 with threonine.
Molecular consequence: missense variant.
Genome position (GRCh38, 1-based): chr12:21,906,135, A>T on the plus strand (T>A on the coding strand, the complement: ABCC9 is on the minus strand). VCF-style: chr12-21906135-A-T. GRCh37 (hg19) VCF-style: chr12-22059069-A-T.
Other names: c.1609T>A, p.Ser537Thr (NM_001377273.1, NM_005691.4); c.745T>A, p.Ser249Thr (NM_001377274.1); short protein forms S249T, S537T.
Identifiers: ClinVar variation 953713 (VCV000953713.10), dbSNP rs780072385, ClinGen allele CA6481641.